The following is an entry in ClinVar:

ClinVar aggregate classification (germline): Pathogenic (1 of 4 stars; one submission).

Conditions:
Hypohidrotic X-linked ectodermal dysplasia (XHED). Also called: Christ-Siemans-Touraine syndrome; ECTODERMAL DYSPLASIA 1; Ectodermal Dysplasia 1, Anhidrotic; ECTODERMAL DYSPLASIA, HYPOHIDROTIC, 1; CST SYNDROME; Anhidrotic ectodermal dysplasia X-linked. Identifiers: Orphanet 181, Orphanet 238468, MedGen C0162359, MONDO:0010585, OMIM 305100.

Submission:

Labcorp Genetics (formerly Invitae), Labcorp
Classification: Pathogenic for Hypohidrotic X-linked ectodermal dysplasia. Last evaluated: 2021-02-17. Review status: criteria provided, single submitter. Criteria: Invitae Variant Classification Sherloc (09022015). Collection method: clinical testing. Allele origin: germline.
Comment: This variant is not present in population databases (ExAC no frequency). This sequence change creates a premature translational stop signal (p.Gln306*) in the EDA gene. While this is not anticipated to result in nonsense mediated decay, it is expected to disrupt the last 86 amino acid(s) of the EDA protein. This variant has been observed in individual(s) with clinical features of EDA-related conditions (PMID: 27538153). This variant disrupts the C-terminus of the EDA protein. Other variant(s) that disrupt this region (p.Gln331*) have been determined to be pathogenic (PMID: 23553579, Invitae). This suggests that variants that disrupt this region of the protein are likely to be causative of disease. For these reasons, this variant has been classified as Pathogenic.

Literature cited by the submitters: PubMed 27538153; PubMed 23553579.

NM_001399.5(EDA):c.916C>T (p.Gln306Ter)

Gene: EDA (ectodysplasin A; plus strand). Cytogenetic location: Xq13.1.
Variant type: single nucleotide variant.
Coding change: c.916C>T on transcript NM_001399.5 (MANE Select); coding-DNA position 916, C replaced by T.
Protein change: p.Gln306Ter; replaces glutamine 306 with a stop codon.
Molecular consequence: nonsense.
Genome position (GRCh38, 1-based): chrX:70,033,520, C>T. VCF-style: chrX-70033520-C-T. GRCh37 (hg19) VCF-style: chrX-69253370-C-T.
Other names: c.916C>T, p.Gln306Ter (NM_001005609.2); c.907C>T, p.Gln303Ter (NM_001005612.3); short protein forms Q306*, Q303*.
Identifiers: ClinVar variation 1457985 (VCV001457985.7), dbSNP rs2147516557, ClinGen allele CA413449050.